The following is an entry in ClinVar:

NM_145059.3(FCSK):c.3176A>T (p.His1059Leu)

Gene: FCSK (fucose kinase; plus strand). Cytogenetic location: 16q22.1.
Variant type: single nucleotide variant.
Coding change: c.3176A>T on transcript NM_145059.3 (MANE Select); coding-DNA position 3176, A replaced by T.
Protein change: p.His1059Leu; replaces histidine 1059 with leucine.
Molecular consequence: missense variant.
Genome position (GRCh38, 1-based): chr16:70,479,601, A>T. VCF-style: chr16-70479601-A-T. GRCh37 (hg19) VCF-style: chr16-70513504-A-T.
Other names: short protein forms H1059L.
Identifiers: ClinVar variation 1957443 (VCV001957443.5), dbSNP rs768599884, ClinGen allele CA8143908.

ClinVar aggregate classification (germline): Uncertain significance (1 of 4 stars; one submission).

Allele frequency attached by ClinVar (database versions not stated): TOPMed 0.00001.
gnomAD v4.1: 7 of 1,614,012 alleles (0.00043%); highest among the groups gnomAD compares: Admixed American, 0.01%; no homozygotes.

Submission:

Labcorp Genetics (formerly Invitae), Labcorp
Classification: Uncertain significance. Last evaluated: 2025-07-07. Review status: criteria provided, single submitter. Criteria: Invitae Variant Classification Sherloc (09022015). Collection method: clinical testing. Allele origin: germline.
Comment: This sequence change replaces histidine, which is basic and polar, with leucine, which is neutral and non-polar, at codon 1059 of the FUK protein (p.His1059Leu). This variant is present in population databases (rs768599884, gnomAD 0.02%). This variant has not been reported in the literature in individuals affected with FUK-related conditions. ClinVar contains an entry for this variant (Variation ID: 1957443). An algorithm developed to predict the effect of missense changes on protein structure and function (PolyPhen-2) suggests that this variant is likely to be disruptive. In summary, the available evidence is currently insufficient to determine the role of this variant in disease. Therefore, it has been classified as a Variant of Uncertain Significance.